The following is an entry in ClinVar:

ClinVar aggregate classification (germline): Uncertain significance (1 of 4 stars; one submission).

Conditions:
Shprintzen-Goldberg syndrome (SGS). Also called: Marfanoid disorder with craniosynostosis type 1; Marfanoid craniosynostosis syndrome; Shprintzen-Goldberg marfanoid syndrome; SHPRINTZEN-GOLDBERG CRANIOSYNOSTOSIS SYNDROME; CRANIOSYNOSTOSIS WITH ARACHNODACTYLY AND ABDOMINAL HERNIAS. Identifiers: Orphanet 2462, MedGen C1321551, MONDO:0008426, OMIM 182212.

gnomAD v4.1: 2 of 1,613,744 alleles (0.00012%); highest among the groups gnomAD compares: Non-Finnish European, 0.00017%; no homozygotes.

Submission:

Labcorp Genetics (formerly Invitae), Labcorp
Classification: Uncertain significance for Shprintzen-Goldberg syndrome. Last evaluated: 2023-08-14. Review status: criteria provided, single submitter. Criteria: Invitae Variant Classification Sherloc (09022015). Collection method: clinical testing. Allele origin: germline.
Comment: In summary, the available evidence is currently insufficient to determine the role of this variant in disease. Therefore, it has been classified as a Variant of Uncertain Significance. Advanced modeling of protein sequence and biophysical properties (such as structural, functional, and spatial information, amino acid conservation, physicochemical variation, residue mobility, and thermodynamic stability) has been performed at Invitae for this missense variant, however the output from this modeling did not meet the statistical confidence thresholds required to predict the impact of this variant on SKI protein function. This variant has not been reported in the literature in individuals affected with SKI-related conditions. This variant is not present in population databases (gnomAD no frequency). This sequence change replaces proline, which is neutral and non-polar, with serine, which is neutral and polar, at codon 372 of the SKI protein (p.Pro372Ser).

NM_003036.4(SKI):c.1114C>T (p.Pro372Ser)

Gene: SKI (SKI proto-oncogene; plus strand). Cytogenetic location: 1p36.32.
Variant type: single nucleotide variant.
Coding change: c.1114C>T on transcript NM_003036.4 (MANE Select); coding-DNA position 1114, C replaced by T.
Protein change: p.Pro372Ser; replaces proline 372 with serine.
Molecular consequence: missense variant.
Genome position (GRCh38, 1-based): chr1:2,303,303, C>T. VCF-style: chr1-2303303-C-T. GRCh37 (hg19) VCF-style: chr1-2234742-C-T.
Other names: short protein forms P372S.
Identifiers: ClinVar variation 2752432 (VCV002752432.3), dbSNP rs1640474008, ClinGen allele CA337954363.